The following is an entry in ClinVar:

ClinVar aggregate classification (germline): Uncertain significance (1 of 4 stars; one submission).

Conditions:
MGAT2-congenital disorder of glycosylation. Also called: MENTAL RETARDATION, GROWTH RETARDATION, PROMINENT COLUMELLA, AND OPEN MOUTH; Alkuraya syndrome; Congenital disorder of glycosylation, type IIa; CDG IIa; MGAT2-CDG. Identifiers: Orphanet 79329, MedGen C2931008, MONDO:0008908, OMIM 212066.

Allele frequency attached by ClinVar (database versions not stated): gnomAD exomes below 0.00001.
gnomAD v4.1: 1 of 1,614,204 alleles (0.000062%); highest among the groups gnomAD compares: Non-Finnish European, 0.000085%; no homozygotes.

Submission:

Labcorp Genetics (formerly Invitae), Labcorp
Classification: Uncertain significance for MGAT2-congenital disorder of glycosylation. Last evaluated: 2022-04-24. Review status: criteria provided, single submitter. Criteria: Invitae Variant Classification Sherloc (09022015). Collection method: clinical testing. Allele origin: germline.
Comment: In summary, the available evidence is currently insufficient to determine the role of this variant in disease. Therefore, it has been classified as a Variant of Uncertain Significance. Algorithms developed to predict the effect of missense changes on protein structure and function are either unavailable or do not agree on the potential impact of this missense change (SIFT: "Deleterious"; PolyPhen-2: "Probably Damaging"; Align-GVGD: "Class C15"). This variant has not been reported in the literature in individuals affected with MGAT2-related conditions. This variant is not present in population databases (gnomAD no frequency). This sequence change replaces aspartic acid, which is acidic and polar, with tyrosine, which is neutral and polar, at codon 261 of the MGAT2 protein (p.Asp261Tyr).

NM_002408.4(MGAT2):c.781G>T (p.Asp261Tyr)

Gene: MGAT2 (alpha-1,6-mannosyl-glycoprotein 2-beta-N-acetylglucosaminyltransferase; plus strand). Cytogenetic location: 14q21.3.
Variant type: single nucleotide variant.
Coding change: c.781G>T on transcript NM_002408.4 (MANE Select); coding-DNA position 781, G replaced by T.
Protein change: p.Asp261Tyr; replaces aspartic acid 261 with tyrosine.
Molecular consequence: missense variant.
Genome position (GRCh38, 1-based): chr14:49,622,049, G>T. VCF-style: chr14-49622049-G-T. GRCh37 (hg19) VCF-style: chr14-50088767-G-T.
Other names: short protein forms D261Y.
Identifiers: ClinVar variation 2115408 (VCV002115408.4), dbSNP rs2502743880, ClinGen allele CA389620425.